The following is an entry in ClinVar:

ClinVar aggregate classification (germline): Uncertain significance (1 of 4 stars; one submission).

Conditions:
Fanconi anemia (FA). Also called: Fanconi's anemia. Identifiers: Orphanet 84, MedGen C0015625, MeSH D005199, MONDO:0019391.

gnomAD v4.1: 1 of 1,613,678 alleles (0.000062%); highest among the groups gnomAD compares: Non-Finnish European, 0.000085%; no homozygotes.

Submission:

Labcorp Genetics (formerly Invitae), Labcorp
Classification: Uncertain significance for Fanconi anemia. Last evaluated: 2025-05-12. Review status: criteria provided, single submitter. Criteria: Invitae Variant Classification Sherloc (09022015). Collection method: clinical testing. Allele origin: germline.
Comment: This sequence change replaces serine, which is neutral and polar, with leucine, which is neutral and non-polar, at codon 1768 of the FANCM protein (p.Ser1768Leu). This variant is not present in population databases (gnomAD no frequency). This variant has not been reported in the literature in individuals affected with FANCM-related conditions. An algorithm developed to predict the effect of missense changes on protein structure and function (PolyPhen-2) suggests that this variant is likely to be tolerated. In summary, the available evidence is currently insufficient to determine the role of this variant in disease. Therefore, it has been classified as a Variant of Uncertain Significance.

NM_020937.4(FANCM):c.5303C>T (p.Ser1768Leu)

Gene: FANCM (FA complementation group M; plus strand). Cytogenetic location: 14q21.2.
Variant type: single nucleotide variant.
Coding change: c.5303C>T on transcript NM_020937.4 (MANE Select); coding-DNA position 5303, C replaced by T.
Protein change: p.Ser1768Leu; replaces serine 1768 with leucine.
Molecular consequence: missense variant.
Genome position (GRCh38, 1-based): chr14:45,189,325, C>T. VCF-style: chr14-45189325-C-T. GRCh37 (hg19) VCF-style: chr14-45658528-C-T.
Other names: c.5225C>T, p.Ser1742Leu (NM_001308133.2); short protein forms S1742L, S1768L.
Identifiers: ClinVar variation 4719300 (VCV004719300.1).